The following is an entry in ClinVar:

NM_001164508.2(NEB):c.24301-296_24377del

Genes: NEB (nebulin; minus strand), RIF1 (replication timing regulatory factor 1; plus strand). Cytogenetic location: 2q23.3.
Variant type: Deletion.
Coding change: c.24301-296_24377del on transcript NM_001164508.2 (MANE Select); 296 bases into the intron before coding-DNA position 24301 through coding-DNA position 24377, 373 bases deleted.
Molecular consequence: splice acceptor variant. On other transcripts: intron variant (1).
Genome position (GRCh38, 1-based): chr2:151,496,957-151,497,329, 373 bases deleted. GRCh37 (hg19): chr2:152,353,474-152,353,846.
Other names: c.18826-961_18826-589del (NM_004543.5); c.24301-296_24377del (NM_001164507.2); c.24406-296_24482del (NM_001271208.2).
Identifiers: ClinVar variation 3633144 (VCV003633144.2).

ClinVar aggregate classification (germline): Likely pathogenic (1 of 4 stars; one submission).

Conditions:
Nemaline myopathy 2 (NEM2). Also called: Nemaline myopathy 2, autosomal recessive. Identifiers: MedGen C1850569, MONDO:0009725, OMIM 256030.

Submission:

Labcorp Genetics (formerly Invitae), Labcorp
Classification: Likely pathogenic for Nemaline myopathy 2. Last evaluated: 2024-01-22. Review status: criteria provided, single submitter. Criteria: Invitae Variant Classification Sherloc (09022015). Collection method: clinical testing. Allele origin: germline.
Comment: This variant results in the deletion of part of exon 173 (c.24406-296_24482del) of the NEB gene. It is expected to disrupt RNA splicing. Variants that disrupt the donor or acceptor splice site typically lead to a loss of protein function (PMID: 16199547), and loss-of-function variants in NEB are known to be pathogenic (PMID: 25205138). This variant is not present in population databases (gnomAD no frequency). This variant has not been reported in the literature in individuals affected with NEB-related conditions. In summary, the currently available evidence indicates that the variant is pathogenic, but additional data are needed to prove that conclusively. Therefore, this variant has been classified as Likely Pathogenic.

Literature cited by the submitters: PubMed 16199547; PubMed 25205138.